The following is an entry in ClinVar:

NM_000069.3(CACNA1S):c.1086C>T (p.Asp362=)

Gene: CACNA1S (calcium voltage-gated channel subunit alpha1 S; minus strand). Cytogenetic location: 1q32.1.
Variant type: single nucleotide variant.
Coding change: c.1086C>T on transcript NM_000069.3 (MANE Select); coding-DNA position 1086, C replaced by T.
Protein change: p.Asp362=; no amino-acid change (aspartic acid 362 retained).
Molecular consequence: synonymous variant.
Genome position (GRCh38, 1-based): chr1:201,085,500, G>A on the plus strand (C>T on the coding strand, the complement: CACNA1S is on the minus strand). VCF-style: chr1-201085500-G-A. GRCh37 (hg19) VCF-style: chr1-201054628-G-A.
Identifiers: ClinVar variation 3073366 (VCV003073366.2), dbSNP rs762055787, ClinGen allele CA077937.

ClinVar aggregate classification (germline): Likely benign. Review status: criteria provided, multiple submitters, no conflicts (2 of 4 stars). 2 submissions from 2 submitters: Likely benign (2). Last evaluated 2023-09-17.

Conditions:
Malignant hyperthermia, susceptibility to, 5 (MHS5). Also called: CACNA1S-Related Malignant Hyperthermia Susceptibility. Identifiers: Orphanet 423, MedGen C1866077, MONDO:0011163, OMIM 601887.

Allele frequency attached by ClinVar (database versions not stated): TOPMed 0.00001; gnomAD 0.00002; ExAC 0.00001.
gnomAD v4.1: 4 of 1,613,236 alleles (0.00025%); highest among the groups gnomAD compares: Admixed American, 0.0017%; no homozygotes.

Submissions (2):

All of Us Research Program, National Institutes of Health
Classification: Likely benign for Malignant hyperthermia, susceptibility to, 5. Last evaluated: 2023-09-17. Review status: criteria provided, single submitter. Criteria: ACMG Guidelines, 2015. Collection method: clinical testing. Allele origin: germline. Inheritance: Autosomal dominant inheritance. Observed: 1 variant allele, 1 heterozygote.
Comment: This study involves interpretation of variants in research participants for the purpose of population health screening. Participant phenotype was not available at the time of variant classification. Additional details can be found in publication PMID: 35346344, PMCID: PMC8962531

Color Diagnostics, LLC DBA Color Health
Classification: Likely benign for Malignant hyperthermia, susceptibility to, 5. Last evaluated: 2023-09-06. Review status: criteria provided, single submitter. Criteria: ACMG Guidelines, 2015. Collection method: clinical testing. Allele origin: germline.